The following is an entry in ClinVar:

NM_001353214.3(DYM):c.379C>A (p.Gln127Lys)

Gene: DYM (dymeclin; minus strand). Cytogenetic location: 18q21.1.
Variant type: single nucleotide variant.
Coding change: c.379C>A on transcript NM_001353214.3 (MANE Select); coding-DNA position 379, C replaced by A.
Protein change: p.Gln127Lys; replaces glutamine 127 with lysine.
Molecular consequence: missense variant. On other transcripts: intron variant (5).
Genome position (GRCh38, 1-based): chr18:49,378,609, G>T on the plus strand (C>A on the coding strand, the complement: DYM is on the minus strand). VCF-style: chr18-49378609-G-T. GRCh37 (hg19) VCF-style: chr18-46904979-G-T.
Other names: c.379C>A, p.Gln127Lys (NM_001353210.3, NM_001353213.3, NM_001353215.3 and 12 more transcripts); c.376C>A, p.Gln126Lys (NM_001353211.3, NM_001353212.3, NM_001374429.1 and 1 more transcripts); c.193+12984C>A (NM_001374443.1, NM_001374444.1, NM_001374442.1 and 2 more transcripts); short protein forms Q126K, Q127K.
Identifiers: ClinVar variation 2869258 (VCV002869258.3), dbSNP rs371850343, ClinGen allele CA8958418.
Genomic context (GRCh38, chr18:49,378,609, plus strand): 5'-TTTAAAAACAATACTTACTGTAATTGCCAGGAGATTTTTCTTCATAAGTAAAATGAAGTT[G>T]TAATTCCTCCTCTGACATCTGACAGATGAACACTTTCAGCAAACAGCAAATAATAAACAA-3'
Protein context (NP_001340143.1, residues 117-137): FICQMSEEEL[Gln127Lys]LHFTYEEKSP

ClinVar aggregate classification (germline): Uncertain significance (1 of 4 stars; one submission).

Allele frequency attached by ClinVar (database versions not stated): gnomAD exomes below 0.00001; ExAC 0.00001; ESP Exome Variant Server 0.00008.
gnomAD v4.1: 1 of 1,612,672 alleles (0.000062%); highest among the groups gnomAD compares: Non-Finnish European, 0.000085%; no homozygotes.

Submission:

Labcorp Genetics (formerly Invitae), Labcorp
Classification: Uncertain significance. Last evaluated: 2023-11-10. Review status: criteria provided, single submitter. Criteria: Invitae Variant Classification Sherloc (09022015). Collection method: clinical testing. Allele origin: germline.
Comment: This sequence change replaces glutamine, which is neutral and polar, with lysine, which is basic and polar, at codon 127 of the DYM protein (p.Gln127Lys). This variant is present in population databases (rs371850343, gnomAD 0.0009%). This variant has not been reported in the literature in individuals affected with DYM-related conditions. Advanced modeling of protein sequence and biophysical properties (such as structural, functional, and spatial information, amino acid conservation, physicochemical variation, residue mobility, and thermodynamic stability) performed at Invitae indicates that this missense variant is not expected to disrupt DYM protein function with a negative predictive value of 80%. In summary, the available evidence is currently insufficient to determine the role of this variant in disease. Therefore, it has been classified as a Variant of Uncertain Significance.